The following is an entry in ClinVar:

NM_030665.4(RAI1):c.3826C>T (p.Pro1276Ser)

Gene: RAI1 (retinoic acid induced 1; plus strand). Cytogenetic location: 17p11.2.
Variant type: single nucleotide variant.
Coding change: c.3826C>T on transcript NM_030665.4 (MANE Select); coding-DNA position 3826, C replaced by T.
Protein change: p.Pro1276Ser; replaces proline 1276 with serine.
Molecular consequence: missense variant.
Genome position (GRCh38, 1-based): chr17:17,796,774, C>T. VCF-style: chr17-17796774-C-T. GRCh37 (hg19) VCF-style: chr17-17700088-C-T.
Other names: short protein forms P1276S.
Identifiers: ClinVar variation 1488091 (VCV001488091.6), dbSNP rs182526540, ClinGen allele CA398555018.

ClinVar aggregate classification (germline): Uncertain significance (1 of 4 stars; one submission).

gnomAD v4.1: 11 of 1,612,946 alleles (0.00068%); highest among the groups gnomAD compares: Non-Finnish European, 0.00093%; no homozygotes.

Submission:

Labcorp Genetics (formerly Invitae), Labcorp
Classification: Uncertain significance. Last evaluated: 2024-05-28. Review status: criteria provided, single submitter. Criteria: Invitae Variant Classification Sherloc (09022015). Collection method: clinical testing. Allele origin: germline.
Comment: This sequence change replaces proline, which is neutral and non-polar, with serine, which is neutral and polar, at codon 1276 of the RAI1 protein (p.Pro1276Ser). This variant is present in population databases (no rsID available, gnomAD 0.0009%). This variant has not been reported in the literature in individuals affected with RAI1-related conditions. ClinVar contains an entry for this variant (Variation ID: 1488091). Advanced modeling of protein sequence and biophysical properties (such as structural, functional, and spatial information, amino acid conservation, physicochemical variation, residue mobility, and thermodynamic stability) performed at Invitae indicates that this missense variant is not expected to disrupt RAI1 protein function with a negative predictive value of 80%. In summary, the available evidence is currently insufficient to determine the role of this variant in disease. Therefore, it has been classified as a Variant of Uncertain Significance.